The following is an entry in ClinVar:

ClinVar aggregate classification (germline): Uncertain significance. Review status: criteria provided, multiple submitters, no conflicts (2 of 4 stars). 2 submissions from 2 submitters: Uncertain significance (2). Last evaluated 2025-03-24.

Conditions:
IRS1-related disorder. Also called: IRS1-related condition.

Allele frequency attached by ClinVar (database versions not stated): gnomAD exomes 0.00002; ExAC 0.00005.
gnomAD v4.1: 11 of 1,613,296 alleles (0.00068%); highest among the groups gnomAD compares: Non-Finnish European, 0.00085%; no homozygotes.

Submissions (2):

PreventionGenetics, part of Exact Sciences
Classification: Uncertain significance for IRS1-related condition. Last evaluated: 2025-03-24. Review status: criteria provided, single submitter. Criteria: ACMG Guidelines, 2015. Collection method: clinical testing. Allele origin: germline.
Comment: The IRS1 c.2362C>T variant is predicted to result in the amino acid substitution p.His788Tyr. To our knowledge, this variant has not been reported in the literature. This variant is reported in 0.0062% of alleles in individuals of European (Non-Finnish) descent in gnomAD. At this time, the clinical significance of this variant is uncertain due to the absence of conclusive functional and genetic evidence.

Ambry Genetics
Classification: Uncertain significance. Last evaluated: 2022-06-22. Review status: criteria provided, single submitter. Criteria: Ambry Variant Classification Scheme 2023. Collection method: clinical testing. Allele origin: germline.

NM_005544.3(IRS1):c.2362C>T (p.His788Tyr)

Gene: IRS1 (insulin receptor substrate 1; minus strand). Cytogenetic location: 2q36.3.
Variant type: single nucleotide variant.
Coding change: c.2362C>T on transcript NM_005544.3 (MANE Select); coding-DNA position 2362, C replaced by T.
Protein change: p.His788Tyr; replaces histidine 788 with tyrosine.
Molecular consequence: missense variant.
Genome position (GRCh38, 1-based): chr2:226,796,377, G>A on the plus strand (C>T on the coding strand, the complement: IRS1 is on the minus strand). VCF-style: chr2-226796377-G-A. GRCh37 (hg19) VCF-style: chr2-227661093-G-A.
Other names: short protein forms H788Y.
Identifiers: ClinVar variation 2293412 (VCV002293412.3), dbSNP rs769492524, ClinGen allele CA2143112.